The following is an entry in ClinVar:

NM_207361.6(FREM2):c.7817T>C (p.Ile2606Thr)

Gene: FREM2 (FRAS1 related extracellular matrix 2; plus strand). Cytogenetic location: 13q13.3.
Variant type: single nucleotide variant.
Coding change: c.7817T>C on transcript NM_207361.6 (MANE Select); coding-DNA position 7817, T replaced by C.
Protein change: p.Ile2606Thr; replaces isoleucine 2606 with threonine.
Molecular consequence: missense variant.
Genome position (GRCh38, 1-based): chr13:38,864,440, T>C. VCF-style: chr13-38864440-T-C. GRCh37 (hg19) VCF-style: chr13-39438577-T-C.
Other names: short protein forms I2606T.
Identifiers: ClinVar variation 2070654 (VCV002070654.1), dbSNP rs775562179, ClinGen allele CA6955974.

ClinVar aggregate classification (germline): Uncertain significance (1 of 4 stars; one submission).

Allele frequency attached by ClinVar (database versions not stated): ExAC 0.00002.

Submission:

Labcorp Genetics (formerly Invitae), Labcorp
Classification: Uncertain significance. Last evaluated: 2022-07-19. Review status: criteria provided, single submitter. Criteria: Invitae Variant Classification Sherloc (09022015). Collection method: clinical testing. Allele origin: germline.
Comment: This sequence change replaces isoleucine, which is neutral and non-polar, with threonine, which is neutral and polar, at codon 2606 of the FREM2 protein (p.Ile2606Thr). This variant is present in population databases (rs775562179, gnomAD 0.02%). This variant has not been reported in the literature in individuals affected with FREM2-related conditions. Algorithms developed to predict the effect of missense changes on protein structure and function are either unavailable or do not agree on the potential impact of this missense change (SIFT: "Deleterious"; PolyPhen-2: "Benign"; Align-GVGD: "Class C0"). In summary, the available evidence is currently insufficient to determine the role of this variant in disease. Therefore, it has been classified as a Variant of Uncertain Significance.